The following is an entry in ClinVar:

ClinVar aggregate classification (germline): Uncertain significance (1 of 4 stars; one submission).

Conditions:
Brain dopamine-serotonin vesicular transport disease (PKDYS2). Also called: PARKINSONISM-DYSTONIA, INFANTILE, 2; PARKINSONISM-DYSTONIA 2, INFANTILE-ONSET; BRAIN MONOAMINE VESICULAR TRANSPORT DISEASE. Identifiers: Orphanet 352649, MedGen C4303546, MONDO:0018130, OMIM 618049.

Submission:

3billion
Classification: Uncertain significance for Brain dopamine-serotonin vesicular transport disease. Last evaluated: 2025-11-13. Review status: criteria provided, single submitter. Criteria: ACMG Guidelines, 2015. Collection method: clinical testing. Allele origin: germline. Affected: yes.
Comment: The variant is observed at an extremely low frequency in the gnomAD v4.1.0 dataset (total allele frequency: <0.001%). Predicted Consequence/Location: Inframe insertion located in a nonrepeat region: predicted to change the length of the protein and disrupt normal protein function. Therefore, this variant is classified as VUS according to the recommendation of ACMG/AMP guideline.

NM_003054.6(SLC18A2):c.82_84dup (p.Leu28_Ala29insLeu)

Genes: SLC18A2-AS1 (SLC18A2 antisense RNA 1; minus strand), SLC18A2 (solute carrier family 18 member A2; plus strand). Cytogenetic location: 10q25.3.
Variant type: Duplication.
Coding change: c.82_84dup on transcript NM_003054.6 (MANE Select); coding-DNA positions 82 to 84, 3 bases duplicated (CTG; older notation c.82_84dupCTG).
Protein change: p.Leu28_Ala29insLeu.
Molecular consequence: inframe insertion. On other transcripts: non-coding transcript variant (1).
Genome position (GRCh38, 1-based): chr10:117,241,775-117,241,777, CTG duplicated. VCF-style (leftmost placement, unchanged base first): chr10-117241774-C-CCTG. GRCh37 (hg19) VCF-style: chr10-119001285-C-CCTG.
Identifiers: ClinVar variation 4855193 (VCV004855193.1).